The following is an entry in ClinVar:

ClinVar aggregate classification (germline): Uncertain significance (1 of 4 stars; one submission).

Submission:

Labcorp Genetics (formerly Invitae), Labcorp
Classification: Uncertain significance. Last evaluated: 2021-07-24. Review status: criteria provided, single submitter. Criteria: Invitae Variant Classification Sherloc (09022015). Collection method: clinical testing. Allele origin: germline.
Comment: In summary, the available evidence is currently insufficient to determine the role of this variant in disease. Therefore, it has been classified as a Variant of Uncertain Significance. Algorithms developed to predict the effect of missense changes on protein structure and function are either unavailable or do not agree on the potential impact of this missense change (SIFT: "Deleterious"; PolyPhen-2: "Benign"; Align-GVGD: "Class C0"). This variant has not been reported in the literature in individuals affected with ZNF341-related conditions. This variant is not present in population databases (ExAC no frequency). This sequence change replaces valine with methionine at codon 591 of the ZNF341 protein (p.Val591Met). The valine residue is weakly conserved and there is a small physicochemical difference between valine and methionine.

NM_001282933.2(ZNF341):c.1792G>A (p.Val598Met)

Gene: ZNF341 (zinc finger protein 341; plus strand). Cytogenetic location: 20q11.22.
Variant type: single nucleotide variant.
Coding change: c.1792G>A on transcript NM_001282933.2 (MANE Select); coding-DNA position 1792, G replaced by A.
Protein change: p.Val598Met; replaces valine 598 with methionine.
Molecular consequence: missense variant. On other transcripts: non-coding transcript variant (1).
Genome position (GRCh38, 1-based): chr20:33,783,804, G>A. VCF-style: chr20-33783804-G-A. GRCh37 (hg19) VCF-style: chr20-32371610-G-A.
Other names: c.1522G>A, p.Val508Met (NM_001282935.2); c.1771G>A, p.Val591Met (NM_032819.5); short protein forms V598M, V508M, V591M.
Identifiers: ClinVar variation 1369540 (VCV001369540.8), dbSNP rs2122731600, ClinGen allele CA408639909.
Genomic context (GRCh38, chr20:33,783,804, plus strand): 5'-GAACGCTACCTGCGGCGTCATCTGCCCACCCACGGCAGCGGGGGCAGGTTCAAGTGCCAA[G>A]TGTGCAAGAAGTTCTTCCGGCGGGAGCATTATCTCAAACTGCATGCTCACATCCACTCGG-3'
Protein context (NP_001269862.1, residues 588-608): HGSGGRFKCQ[Val598Met]CKKFFRREHY